The following is an entry in ClinVar:

ClinVar aggregate classification (germline): Benign (1 of 4 stars; one submission).

Allele frequency attached by ClinVar (database versions not stated): 1000 Genomes Project 0.22264; gnomAD 0.28809 and 0.28832.
gnomAD v4.1: 95,354 of 316,374 alleles (30%); highest among the groups gnomAD compares: Non-Finnish European, 34%; 13,047 homozygotes.

Submission:

GeneDx
Classification: Benign. Last evaluated: 2018-06-14. Review status: criteria provided, single submitter. Criteria: GeneDx Variant Classification (06012015). Collection method: clinical testing. Allele origin: germline. Affected: yes.
Comment: This variant is considered likely benign or benign based on one or more of the following criteria: it is a conservative change, it occurs at a poorly conserved position in the protein, it is predicted to be benign by multiple in silico algorithms, and/or has population frequency not consistent with disease.

NM_020442.6(VARS2):c.671+229A>T

Gene: VARS2 (valyl-tRNA synthetase 2, mitochondrial; plus strand). Cytogenetic location: 6p21.33.
Variant type: single nucleotide variant.
Coding change: c.671+229A>T on transcript NM_020442.6 (MANE Select); 229 bases into the intron after coding-DNA position 671, A replaced by T.
Molecular consequence: intron variant.
Genome position (GRCh38, 1-based): chr6:30,916,478, A>T. VCF-style: chr6-30916478-A-T. GRCh37 (hg19) VCF-style: chr6-30884255-A-T.
Other names: c.761+229A>T (NM_001167734.2); c.251+229A>T (NM_001167733.3).
Identifiers: ClinVar variation 669589 (VCV000669589.1), dbSNP rs41268036, ClinGen allele CA12412434.
Genomic context (GRCh38, chr6:30,916,478, plus strand): 5'-TATGTGTGTGGATATTATATATGCATTAGAATATTCGTGTGTGTGTGTGTGTGTGTGTGT[A>T]TTTATATATATATATATATTTTCTTTCTCTTTACTTACCCCAATTTCTCTTGTCTAAATC-3'